The following is an entry in ClinVar:

NM_002489.4(NDUFA4):c.-13C>T

Gene: NDUFA4 (NDUFA4 mitochondrial complex associated; minus strand). Cytogenetic location: 7p21.3.
Variant type: single nucleotide variant.
Coding change: c.-13C>T on transcript NM_002489.4 (MANE Select); 13 bases upstream of the start codon, C replaced by T.
Molecular consequence: 5 prime UTR variant.
Genome position (GRCh38, 1-based): chr7:10,940,070, G>A on the plus strand (C>T on the coding strand, the complement: NDUFA4 is on the minus strand). VCF-style: chr7-10940070-G-A. GRCh37 (hg19) VCF-style: chr7-10979697-G-A.
Identifiers: ClinVar variation 381433 (VCV000381433.1), dbSNP rs17163797, ClinGen allele CA4162668.

ClinVar aggregate classification (germline): Benign (1 of 4 stars; one submission).

Allele frequency attached by ClinVar (database versions not stated): ESP Exome Variant Server 0.01138; gnomAD 0.01269 and 0.01406; gnomAD exomes 0.01340; ExAC 0.01386; TOPMed 0.01886; 1000 Genomes Project 30x 0.04076; 1000 Genomes Project 0.04213.
gnomAD v4.1: 10,842 of 1,613,472 alleles (0.67%); highest among the groups gnomAD compares: East Asian, 14%; 545 homozygotes.

Submission:

GeneDx
Classification: Benign. Last evaluated: 2016-03-11. Review status: criteria provided, single submitter. Criteria: GeneDx Variant Classification (06012015). Collection method: clinical testing. Allele origin: germline. Affected: yes.
Comment: This variant is considered likely benign or benign based on one or more of the following criteria: it is a conservative change, it occurs at a poorly conserved position in the protein, it is predicted to be benign by multiple in silico algorithms, and/or has population frequency not consistent with disease.